The following is an entry in ClinVar:

ClinVar aggregate classification (germline): Uncertain significance (1 of 4 stars; one submission).

Allele frequency attached by ClinVar (database versions not stated): TOPMed below 0.00001; ExAC 0.00001.
gnomAD v4.1: 46 of 1,613,892 alleles (0.0029%); highest among the groups gnomAD compares: Non-Finnish European, 0.0038%; no homozygotes.

Submission:

CeGaT Center for Human Genetics Tuebingen
Classification: Uncertain significance. Last evaluated: 2024-06-01. Review status: criteria provided, single submitter. Criteria: CeGaT Center For Human Genetics Tuebingen Variant Classification Criteria Version 2. Collection method: clinical testing. Allele origin: germline. Affected: yes. Observed: 1 variant allele.
Comment: TRIO: PM2

NM_007118.4(TRIO):c.6137C>T (p.Ser2046Phe)

Gene: TRIO (trio Rho guanine nucleotide exchange factor; plus strand). Cytogenetic location: 5p15.2.
Variant type: single nucleotide variant.
Coding change: c.6137C>T on transcript NM_007118.4 (MANE Select); coding-DNA position 6137, C replaced by T.
Protein change: p.Ser2046Phe; replaces serine 2046 with phenylalanine.
Molecular consequence: missense variant. On other transcripts: non-coding transcript variant (1).
Genome position (GRCh38, 1-based): chr5:14,476,947, C>T. VCF-style: chr5-14476947-C-T. GRCh37 (hg19) VCF-style: chr5-14477056-C-T.
Other names: short protein forms S2046F.
Identifiers: ClinVar variation 3251075 (VCV003251075.18), dbSNP rs779192709.